The following is an entry in ClinVar:

NM_033004.4(NLRP1):c.266G>A (p.Gly89Glu)

Gene: NLRP1 (NLR family pyrin domain containing 1; minus strand). Cytogenetic location: 17p13.2.
Variant type: single nucleotide variant.
Coding change: c.266G>A on transcript NM_033004.4 (MANE Select); coding-DNA position 266, G replaced by A.
Protein change: p.Gly89Glu; replaces glycine 89 with glutamic acid.
Molecular consequence: missense variant.
Genome position (GRCh38, 1-based): chr17:5,583,692, C>T on the plus strand (G>A on the coding strand, the complement: NLRP1 is on the minus strand). VCF-style: chr17-5583692-C-T. GRCh37 (hg19) VCF-style: chr17-5487012-C-T.
Other names: c.266G>A, p.Gly89Glu (NM_014922.5, NM_033006.4, NM_033007.4 and 1 more transcripts); short protein forms G89E.
Identifiers: ClinVar variation 2907010 (VCV002907010.3), dbSNP rs766597944, ClinGen allele CA397390620.

ClinVar aggregate classification (germline): Uncertain significance (1 of 4 stars; one submission).

Submission:

Labcorp Genetics (formerly Invitae), Labcorp
Classification: Uncertain significance. Last evaluated: 2023-07-03. Review status: criteria provided, single submitter. Criteria: Invitae Variant Classification Sherloc (09022015). Collection method: clinical testing. Allele origin: germline.
Comment: This sequence change replaces glycine, which is neutral and non-polar, with glutamic acid, which is acidic and polar, at codon 89 of the NLRP1 protein (p.Gly89Glu). This variant is not present in population databases (gnomAD no frequency). This variant has not been reported in the literature in individuals affected with NLRP1-related conditions. Algorithms developed to predict the effect of missense changes on protein structure and function output the following: SIFT: "Not Available"; PolyPhen-2: "Benign"; Align-GVGD: "Not Available". The glutamic acid amino acid residue is found in multiple mammalian species, which suggests that this missense change does not adversely affect protein function. Algorithms developed to predict the effect of sequence changes on RNA splicing suggest that this variant may disrupt the consensus splice site. In summary, the available evidence is currently insufficient to determine the role of this variant in disease. Therefore, it has been classified as a Variant of Uncertain Significance.